The following is an entry in ClinVar:

NM_000222.3(KIT):c.545T>A (p.Leu182His)

Gene: KIT (KIT proto-oncogene, receptor tyrosine kinase; plus strand). Cytogenetic location: 4q12.
Variant type: single nucleotide variant.
Coding change: c.545T>A on transcript NM_000222.3 (MANE Select); coding-DNA position 545, T replaced by A.
Protein change: p.Leu182His; replaces leucine 182 with histidine.
Molecular consequence: missense variant.
Genome position (GRCh38, 1-based): chr4:54,698,491, T>A. VCF-style: chr4-54698491-T-A. GRCh37 (hg19) VCF-style: chr4-55564657-T-A.
Other names: c.545T>A, p.Leu182His (NM_001093772.2, NM_001385284.1, NM_001385285.1 and 4 more transcripts); short protein forms L182H.
Identifiers: ClinVar variation 3288751 (VCV003288751.1).
Genomic context (GRCh38, chr4:54,698,491, plus strand): 5'-TTATTCCTGACCCCAAGGCGGGCATCATGATCAAAAGTGTGAAACGCGCCTACCATCGGC[T>A]CTGTCTGCATTGTTCTGTGGACCAGGAGGGCAAGTCAGTGCTGTCGGAAAAATTCATCCT-3'
Protein context (NP_000213.1, residues 172-192): IKSVKRAYHR[Leu182His]CLHCSVDQEG

ClinVar aggregate classification (germline): Uncertain significance (1 of 4 stars; one submission).

Conditions:
Hereditary cancer-predisposing syndrome. Also called: Tumor predisposition; Hereditary Cancer Syndrome; Hereditary neoplastic syndrome; Neoplastic Syndromes, Hereditary. Identifiers: Orphanet 140162, MedGen C0027672, MeSH D009386, MONDO:0015356.

Submission:

Ambry Genetics
Classification: Uncertain significance for Hereditary cancer-predisposing syndrome. Last evaluated: 2024-04-10. Review status: criteria provided, single submitter. Criteria: Ambry Variant Classification Scheme 2023. Collection method: clinical testing. Allele origin: germline.
Comment: The p.L182H variant (also known as c.545T>A), located in coding exon 3 of the KIT gene, results from a T to A substitution at nucleotide position 545. The leucine at codon 182 is replaced by histidine, an amino acid with similar properties. This amino acid position is conserved. In addition, the in silico prediction for this alteration is inconclusive. Based on the available evidence, the clinical significance of this variant remains unclear.